The following is an entry in ClinVar:

NM_012210.4(TRIM32):c.807G>A (p.Leu269=)

Genes: ASTN2 (astrotactin 2; minus strand), TRIM32 (tripartite motif containing 32; plus strand). Cytogenetic location: 9q33.1.
Variant type: single nucleotide variant.
Coding change: c.807G>A on transcript NM_012210.4 (MANE Select); coding-DNA position 807, G replaced by A.
Protein change: p.Leu269=; no amino-acid change (leucine 269 retained).
Molecular consequence: synonymous variant. On other transcripts: intron variant (3).
Genome position (GRCh38, 1-based): chr9:116,698,549, G>A. VCF-style: chr9-116698549-G-A. GRCh37 (hg19) VCF-style: chr9-119460828-G-A.
Other names: c.807G>A, p.Leu269= (NM_001099679.2, NM_001379048.1, NM_001379049.1 and 1 more transcripts); c.2653+27222C>T (NM_014010.5); c.2794+27222C>T (NM_001365069.1); c.2806+27222C>T (NM_001365068.1).
Identifiers: ClinVar variation 597385 (VCV000597385.17), dbSNP rs1184553729, ClinGen allele CA466916331.
Genomic context (GRCh38, chr9:116,698,549, plus strand): 5'-AGATGTAGCACTACTGGAGGAGACAGCTGATGAGGAGGAGCCAGAGCTCACTGCCAGCTT[G>A]CCTCGGGAGCTCACCCTGCAAGATGTGGAGCTCCTTAAGGTAGGTCATGTTGGCCCCCTC-3'
Protein context (NP_036342.2, residues 259-279): DEEEPELTAS[Leu269=]PRELTLQDVE

ClinVar aggregate classification (germline): Conflicting classifications of pathogenicity. Review status: criteria provided, conflicting classifications (1 of 4 stars). 4 submissions from 4 submitters: Uncertain significance (1); Likely benign (2). 1 of the submissions does not count toward it. Last evaluated 2025-10-26.

Conditions:
TRIM32-related disorder. Also called: TRIM32-related condition.
Bardet-Biedl syndrome (BBS). Identifiers: Orphanet 110, MedGen C0752166, MONDO:0015229.

Allele frequency attached by ClinVar (database versions not stated): gnomAD exomes 0.00001 and 0.00002; TOPMed 0.00001.
gnomAD v4.1: 10 of 1,613,918 alleles (0.00062%); highest among the groups gnomAD compares: Admixed American, 0.005%; no homozygotes.

Submissions (4):

Labcorp Genetics (formerly Invitae), Labcorp
Classification: Likely benign for Bardet-Biedl syndrome. Last evaluated: 2025-10-26. Review status: criteria provided, single submitter. Criteria: Invitae Variant Classification Sherloc (09022015). Collection method: clinical testing. Allele origin: germline.

Blueprint Genetics
Classification: Likely benign. Last evaluated: 2024-01-19. Review status: criteria provided, single submitter. Criteria: ACMG Guidelines, 2015. Collection method: clinical testing. Allele origin: germline.

Eurofins Ntd Llc (ga)
Classification: Uncertain significance. Last evaluated: 2018-06-07. Review status: criteria provided, single submitter. Criteria: EGL ClinVar v180209 classification definitions. Collection method: clinical testing. Allele origin: germline. Observed: 1 variant allele, 1 heterozygote.

PreventionGenetics, part of Exact Sciences
Classification: Likely benign for TRIM32-related condition. Last evaluated: 2024-08-24. Review status: no assertion criteria provided. Collection method: clinical testing. Allele origin: germline. Not counted in ClinVar's aggregate classification.
Comment: This variant is classified as likely benign based on ACMG/AMP sequence variant interpretation guidelines (Richards et al. 2015 PMID: 25741868, with internal and published modifications).